The following is an entry in ClinVar:

NM_005908.4(MANBA):c.1434C>G (p.Ile478Met)

Gene: MANBA (mannosidase beta; minus strand). Cytogenetic location: 4q24.
Variant type: single nucleotide variant.
Coding change: c.1434C>G on transcript NM_005908.4 (MANE Select); coding-DNA position 1434, C replaced by G.
Protein change: p.Ile478Met; replaces isoleucine 478 with methionine.
Molecular consequence: missense variant.
Genome position (GRCh38, 1-based): chr4:102,664,736, G>C on the plus strand (C>G on the coding strand, the complement: MANBA is on the minus strand). VCF-style: chr4-102664736-G-C. GRCh37 (hg19) VCF-style: chr4-103585893-G-C.
Other names: short protein forms I478M.
Identifiers: ClinVar variation 2143251 (VCV002143251.2), dbSNP rs780735354, ClinGen allele CA3026909.

ClinVar aggregate classification (germline): Uncertain significance. Review status: criteria provided, multiple submitters, no conflicts (2 of 4 stars). 2 submissions from 2 submitters: Uncertain significance (2). Last evaluated 2022-10-12.

Conditions:
Beta-D-mannosidosis (MANSB). Also called: LYSOSOMAL BETA-MANNOSIDASE DEFICIENCY; BETA-MANNOSIDASE DEFICIENCY; Beta-Mannosidosis; MANNOSIDOSIS, BETA A, LYSOSOMAL. Identifiers: Orphanet 118, MedGen C4048196, MONDO:0009562, OMIM 248510.

Allele frequency attached by ClinVar (database versions not stated): gnomAD 0.00001; TOPMed 0.00001; ExAC 0.00002; gnomAD exomes 0.00002.
gnomAD v4.1: 26 of 1,613,280 alleles (0.0016%); highest among the groups gnomAD compares: Middle Eastern, 0.016%; no homozygotes.

Submissions (2):

Blueprint Genetics
Classification: Uncertain significance. Last evaluated: 2022-10-12. Review status: criteria provided, single submitter. Criteria: ACMG Guidelines, 2015. Collection method: clinical testing. Allele origin: germline.

Labcorp Genetics (formerly Invitae), Labcorp
Classification: Uncertain significance for Beta-D-mannosidosis. Last evaluated: 2022-04-20. Review status: criteria provided, single submitter. Criteria: Invitae Variant Classification Sherloc (09022015). Collection method: clinical testing. Allele origin: germline.
Comment: This sequence change replaces isoleucine, which is neutral and non-polar, with methionine, which is neutral and non-polar, at codon 478 of the MANBA protein (p.Ile478Met). This variant is present in population databases (rs780735354, gnomAD 0.004%). This variant has not been reported in the literature in individuals affected with MANBA-related conditions. Algorithms developed to predict the effect of missense changes on protein structure and function output the following: SIFT: "Tolerated"; PolyPhen-2: "Benign"; Align-GVGD: "Class C0". The methionine amino acid residue is found in multiple mammalian species, which suggests that this missense change does not adversely affect protein function. In summary, the available evidence is currently insufficient to determine the role of this variant in disease. Therefore, it has been classified as a Variant of Uncertain Significance.